The following is an entry in ClinVar:

NM_004565.3(PEX14):c.222C>G (p.Ala74=)

Gene: PEX14 (peroxisomal biogenesis factor 14; plus strand). Cytogenetic location: 1p36.22.
Variant type: single nucleotide variant.
Coding change: c.222C>G on transcript NM_004565.3 (MANE Select); coding-DNA position 222, C replaced by G.
Protein change: p.Ala74=; no amino-acid change (alanine 74 retained).
Molecular consequence: synonymous variant.
Genome position (GRCh38, 1-based): chr1:10,599,290, C>G. VCF-style: chr1-10599290-C-G. GRCh37 (hg19) VCF-style: chr1-10659347-C-G.
Identifiers: ClinVar variation 4999319 (VCV004999319.1).

ClinVar aggregate classification (germline): Likely benign (1 of 4 stars; one submission).

Conditions:
PEX14-related disorder. Also called: PEX14-related condition.

Submission:

PreventionGenetics, part of Exact Sciences
Classification: Likely benign for PEX14-related condition. Last evaluated: 2024-11-17. Review status: criteria provided, single submitter. Criteria: ACMG Guidelines, 2015. Collection method: clinical testing. Allele origin: germline.
Comment: This variant is classified as likely benign based on ACMG/AMP sequence variant interpretation guidelines (Richards et al. 2015 PMID: 25741868, with internal and published modifications).